The following is an entry in ClinVar:

NM_022124.6(CDH23):c.*78C>T

Gene: CDH23 (cadherin related 23; plus strand). Cytogenetic location: 10q22.1.
Variant type: single nucleotide variant.
Coding change: c.*78C>T on transcript NM_022124.6 (MANE Select); 78 bases downstream of the stop codon, C replaced by T.
Molecular consequence: 3 prime UTR variant.
Genome position (GRCh38, 1-based): chr10:71,815,356, C>T. VCF-style: chr10-71815356-C-T. GRCh37 (hg19) VCF-style: chr10-73575113-C-T.
Other names: c.*78C>T (NM_001171933.1, NM_001171934.1, NM_001171935.1 and 1 more transcripts).
Identifiers: ClinVar variation 3356981 (VCV003356981.1).
Genomic context (GRCh38, chr10:71,815,356, plus strand): 5'-GTGGGTGTGAGCAGCACCCATCCACCGTCCCCTCCCAGGGAGCAAGGGCAGGGACAGGGC[C>T]GGTCGGGGGGGACCCTCCAAGGCCAGGCCTTGGGGACAACCTTGGCTTGGCCCTGGCAGC-3'

ClinVar aggregate classification (germline): Likely benign (0 of 4 stars; one submission).

Conditions:
CDH23-related disorder. Also called: CDH23-related condition; CDH23-related disorders.

gnomAD v4.1: 3 of 1,359,478 alleles (0.00022%); highest among the groups gnomAD compares: Non-Finnish European, 0.0003%; no homozygotes.

Submission:

PreventionGenetics, part of Exact Sciences
Classification: Likely benign for CDH23-related condition. Last evaluated: 2024-09-24. Review status: no assertion criteria provided. Collection method: clinical testing. Allele origin: germline.
Comment: This variant is classified as likely benign based on ACMG/AMP sequence variant interpretation guidelines (Richards et al. 2015 PMID: 25741868, with internal and published modifications).